The following is an entry in ClinVar:

NM_001165963.4(SCN1A):c.964+14T>G

Gene: SCN1A (sodium voltage-gated channel alpha subunit 1; minus strand). Cytogenetic location: 2q24.3.
Variant type: single nucleotide variant.
Coding change: c.964+14T>G on transcript NM_001165963.4 (MANE Select); 14 bases into the intron after coding-DNA position 964, T replaced by G.
Molecular consequence: intron variant.
Genome position (GRCh38, 1-based): chr2:166,051,705, A>C on the plus strand (T>G on the coding strand, the complement: SCN1A is on the minus strand). VCF-style: chr2-166051705-A-C. GRCh37 (hg19) VCF-style: chr2-166908215-A-C.
Other names: c.964+14T>G (NM_001353949.2, NM_001353958.2, NM_001353950.2 and 10 more transcripts); c.-1462+14T>G (NM_001353961.2).
Identifiers: ClinVar variation 190009 (VCV000190009.1), dbSNP rs794726837, ClinGen allele CA303540.
Genomic context (GRCh38, chr2:166,051,705, plus strand): 5'-CAAGTATTTATCCTTTGTGTTACAAACAATCCAATTCTACTTTTTAAGGAAATGTACATA[A>C]CAATAATTCTTACTTGAATCTTGAATATATGACTTCCAGTCAAACTCAAAGACAGTTTCA-3'

ClinVar aggregate classification (germline): Pathogenic (1 of 4 stars; one submission).

Conditions:
Severe myoclonic epilepsy in infancy (DRVT). Also called: Epileptic encephalopathy, early infantile, 6 (Dravet syndrome); SEVERE MYOCLONIC EPILEPSY OF INFANCY; DEVELOPMENTAL AND EPILEPTIC ENCEPHALOPATHY 6A; Severe Myoclonic Epilepsy in Infancy (SMEI); Dravet syndrome. Identifiers: Orphanet 33069, MedGen C0751122, MONDO:0100135, OMIM 607208.

Submission:

Center for Bioinformatics, Peking University
Classification: Pathogenic for Dravet syndrome. Last evaluated: 2014-12-20. Review status: criteria provided, single submitter. Criteria: Xu et al. (Hum Mutat. 2015). Collection method: research. Allele origin: de novo. Affected: yes. Observed: 1 variant allele. Study: University Clinical Cooperation “985 Project” PKU-2014-1-1.
Comment: Dravet syndrome (DS) probands were recruited from the outpatient and inpatient child neurology units of Peking University First Hospital from 2005 till present. The study was approved by the Ethics Committee of Peking University First Hospital and the Institutional Review Board at Peking University. Participants or their parents provided written informed consent before enrollment. We collected a total of 267 mutations from 255 families with probands diagnosed with DS in China. All probands fulfilled the clinical diagnostic criteria.